The following is an entry in ClinVar:

NM_016216.4(DBR1):c.233C>T (p.Thr78Met)

Gene: DBR1 (debranching RNA lariats 1; minus strand). Cytogenetic location: 3q22.3.
Variant type: single nucleotide variant.
Coding change: c.233C>T on transcript NM_016216.4 (MANE Select); coding-DNA position 233, C replaced by T.
Protein change: p.Thr78Met; replaces threonine 78 with methionine.
Molecular consequence: missense variant.
Genome position (GRCh38, 1-based): chr3:138,173,591, G>A on the plus strand (C>T on the coding strand, the complement: DBR1 is on the minus strand). VCF-style: chr3-138173591-G-A. GRCh37 (hg19) VCF-style: chr3-137892433-G-A.
Other names: short protein forms T78M.
Identifiers: ClinVar variation 3254747 (VCV003254747.3), dbSNP rs775757073.

ClinVar aggregate classification (germline): Conflicting classifications of pathogenicity. Review status: criteria provided, conflicting classifications (1 of 4 stars). 2 submissions from 2 submitters: Likely pathogenic (1); Uncertain significance (1). Last evaluated 2025-07-01.

Conditions:
Encephalitis, acute, infection (viral)-induced, susceptibility to, 11. Identifiers: MedGen C5561941, MONDO:0030334, OMIM 619441.

Allele frequency attached by ClinVar (database versions not stated): gnomAD exomes 0.00003; TOPMed 0.00003; gnomAD 0.00005; ExAC 0.00002.
gnomAD v4.1: 46 of 1,613,344 alleles (0.0029%); highest among the groups gnomAD compares: East Asian, 0.0045%; no homozygotes.

Submissions (2):

Institute of Human Genetics, University of Leipzig Medical Center
Classification: Uncertain significance for Encephalitis, acute, infection (viral)-induced, susceptibility to, 11. Last evaluated: 2025-07-01. Review status: criteria provided, single submitter. Criteria: ACMG Guidelines, 2015. Collection method: clinical testing. Allele origin: unknown. Inheritance: Autosomal recessive inheritance. Affected: yes.
Comment: Criteria applied: PM2,PP3

Victorian Clinical Genetics Services, Murdoch Childrens Research Institute
Classification: Likely pathogenic for Encephalitis, acute, infection (viral)-induced, susceptibility to, 11. Last evaluated: 2023-07-17. Review status: criteria provided, single submitter. Criteria: ACMG Guidelines, 2015. Collection method: clinical testing. Allele origin: germline. Inheritance: Autosomal dominant inheritance. Affected: yes.
Comment: Based on the classification scheme VCGS_Germline_v1.3.4, this variant is classified as Likely Pathogenic. Following criteria are met: 0102 - Loss of function is a known mechanism of disease in this gene and is associated with encephalitis, acute, infection (viral)-induced, susceptibility to, 11 (MIM#619441). (I) 0106 - This gene is associated with autosomal recessive disease. (I) 0200 - Variant is predicted to result in a missense amino acid change from threonine to methionine. (I) 0251 - This variant is heterozygous. (I) 0304 - Variant is present in gnomAD <0.01 for a recessive condition (v3: 7 heterozygotes, 0 homozygotes). (SP) 0502 - Missense variant with conflicting in silico predictions and uninformative conservation. (I) 0600 - Variant is located in the annotated Calcineurin-like phosphoesterase domain (DECIPHER). (I) 0705 - No comparable missense variants have previous evidence for pathogenicity. (I) 0807 - This variant has no previous evidence of pathogenicity. (I) 0905 - No published segregation evidence has been identified for this variant. (I) 1007 - No published functional evidence has been identified for this variant. (I) 1102 - Strong phenotype match for this individual. (SP) 1201 - Heterozygous variant detected in trans with a second pathogenic heterozygous variant (NM_016216.3(DBR1):c.589dupC; p.(Arg197Profs*7) in a recessive disease. (I) (SP) - Supporting pathogenic, (I) - Information, (SB) - Supporting benign